The following is an entry in ClinVar:

NM_206933.4(USH2A):c.10435_10436del (p.Trp3479fs)

Gene: USH2A (usherin; minus strand). Cytogenetic location: 1q41.
Variant type: Deletion.
Coding change: c.10435_10436del on transcript NM_206933.4 (MANE Select); coding-DNA positions 10435 to 10436, 2 bases deleted (TG; older notation c.10435_10436delTG).
Protein change: p.Trp3479fs; shifts the reading frame from tryptophan 3479.
Molecular consequence: frameshift variant.
Genome position (GRCh38, 1-based): chr1:215,782,887-215,782,888, CA deleted on the plus strand (TG on the coding strand, the reverse complement: USH2A is on the minus strand). VCF-style (leftmost placement, unchanged base first): chr1-215782886-CCA-C. GRCh37 (hg19) VCF-style: chr1-215956228-CCA-C.
Other names: short protein forms W3479fs.
Identifiers: ClinVar variation 4995648 (VCV004995648.1).
Genomic context (GRCh38, chr1:215,782,886, plus strand): 5'-AGGCACATCTTCTTTTGTTCTGGCTCTCACAGCTTTGCTGAGTCCTCGCCCATAGCTGTT[CCA>C]GGCAGAAATCCTGTACTCATATGTCATGTAGGGCTTGAGGTTCACATCTGGAAAGAGAAA-3'

ClinVar aggregate classification (germline): Pathogenic (1 of 4 stars; one submission).

Conditions:
USH2A-related disorder. Also called: USH2A-related condition; USH2A-related disorders. Identifiers: MedGen CN239332.

Submission:

PreventionGenetics, part of Exact Sciences
Classification: Pathogenic for USH2A-related condition. Last evaluated: 2025-09-10. Review status: criteria provided, single submitter. Criteria: ACMG Guidelines, 2015. Collection method: clinical testing. Allele origin: germline.
Comment: The USH2A c.10435_10436delTG variant is predicted to result in a frameshift and premature protein termination (p.Trp3479Glufs*35). This variant has been reported along with a second USH2A variant in individuals from cohort studies of retinal disease (Table S1, Sheck et al. 2021. PubMed ID: 33749171; Table S1, Lin et al. 2024. PubMed ID: 38219857). This variant is absent in a large population database (gnomAD), indicating this variant is rare. Frameshift variants in USH2A are an established mechanism of disease. This variant is interpreted as pathogenic.